The following is an entry in ClinVar:

ClinVar aggregate classification (germline): Uncertain significance (1 of 4 stars; one submission).

Conditions:
Polyhydramnios, megalencephaly, and symptomatic epilepsy (PMSE). Also called: PMSE SYNDROME. Identifiers: Orphanet 500533, MedGen C1970203, MONDO:0012611, OMIM 611087.

Submission:

Labcorp Genetics (formerly Invitae), Labcorp
Classification: Uncertain significance for Polyhydramnios, megalencephaly, and symptomatic epilepsy. Last evaluated: 2022-05-25. Review status: criteria provided, single submitter. Criteria: Invitae Variant Classification Sherloc (09022015). Collection method: clinical testing. Allele origin: germline.
Comment: Algorithms developed to predict the effect of missense changes on protein structure and function are either unavailable or do not agree on the potential impact of this missense change (SIFT: "Tolerated"; PolyPhen-2: "Possibly Damaging"; Align-GVGD: "Class C0"). In summary, the available evidence is currently insufficient to determine the role of this variant in disease. Therefore, it has been classified as a Variant of Uncertain Significance. This variant has not been reported in the literature in individuals affected with STRADA-related conditions. This variant is not present in population databases (gnomAD no frequency). This sequence change replaces serine, which is neutral and polar, with cysteine, which is neutral and slightly polar, at codon 321 of the STRADA protein (p.Ser321Cys).

NM_001003787.4(STRADA):c.962C>G (p.Ser321Cys)

Gene: STRADA (STE20 related adaptor alpha; minus strand). Cytogenetic location: 17q23.3.
Variant type: single nucleotide variant.
Coding change: c.962C>G on transcript NM_001003787.4 (MANE Select); coding-DNA position 962, C replaced by G.
Protein change: p.Ser321Cys; replaces serine 321 with cysteine.
Molecular consequence: missense variant. On other transcripts: non-coding transcript variant (1).
Genome position (GRCh38, 1-based): chr17:63,704,479, G>C on the plus strand (C>G on the coding strand, the complement: STRADA is on the minus strand). VCF-style: chr17-63704479-G-C. GRCh37 (hg19) VCF-style: chr17-61781839-G-C.
Other names: c.851C>G, p.Ser284Cys (NM_001363789.1, NM_153335.6, NM_001003786.3); c.788C>G, p.Ser263Cys (NM_001363790.1, NM_001363791.1, NM_001003788.3); c.*400C>G (NM_001411083.1, NM_001411084.1); c.*411C>G (NM_001411085.1); c.875C>G, p.Ser292Cys (NM_001165969.2, NM_001363787.1); c.830C>G, p.Ser277Cys (NM_001165970.2); c.938C>G, p.Ser313Cys (NM_001363786.1); c.962C>G, p.Ser321Cys (NM_001363788.1); short protein forms S313C, S321C, S263C, S277C, S284C, S292C.
Identifiers: ClinVar variation 1994974 (VCV001994974.4), dbSNP rs2511044572, ClinGen allele CA400587917.